The following is an entry in ClinVar:

NM_201384.3(PLEC):c.3897G>A (p.Pro1299=)

Gene: PLEC (plectin; minus strand). Cytogenetic location: 8q24.3.
Variant type: single nucleotide variant.
Coding change: c.3897G>A on transcript NM_201384.3 (MANE Select); coding-DNA position 3897, G replaced by A.
Protein change: p.Pro1299=; no amino-acid change (proline 1299 retained).
Molecular consequence: synonymous variant.
Genome position (GRCh38, 1-based): chr8:143,927,025, C>T on the plus strand (G>A on the coding strand, the complement: PLEC is on the minus strand). VCF-style: chr8-143927025-C-T. GRCh37 (hg19) VCF-style: chr8-145001193-C-T.
Other names: c.3978G>A (NM_000445.4); c.3978G>A, p.Pro1326= (NM_000445.5); c.3855G>A, p.Pro1285= (NM_201378.4); c.3831G>A, p.Pro1277= (NM_201379.3); c.4308G>A, p.Pro1436= (NM_201380.4); c.3801G>A, p.Pro1267= (NM_201381.3); c.3897G>A, p.Pro1299= (NM_201382.4); c.3909G>A, p.Pro1303= (NM_201383.3).
Identifiers: ClinVar variation 1398062 (VCV001398062.9), dbSNP rs782372837, ClinGen allele CA4926858.

ClinVar aggregate classification (germline): Likely benign. Review status: criteria provided, multiple submitters, no conflicts (2 of 4 stars). 2 submissions from 2 submitters: Likely benign (2). Last evaluated 2026-05-13.

Conditions:
PLEC-related disorder. Also called: PLEC-related condition; PLEC-related disorders.
Autosomal recessive limb-girdle muscular dystrophy type 2Q (LGMDR17). Also called: MUSCULAR DYSTROPHY, LIMB-GIRDLE, AUTOSOMAL RECESSIVE 17. Identifiers: Orphanet 254361, MedGen C3150989, MONDO:0013390, OMIM 613723.
Epidermolysis bullosa simplex with nail dystrophy (EBS5D). Identifiers: MedGen C4225309, MONDO:0014661, OMIM 616487.
Epidermolysis bullosa simplex 5B, with muscular dystrophy (EBS5B). Also called: EPIDERMOLYSIS BULLOSA SIMPLEX AND LIMB-GIRDLE MUSCULAR DYSTROPHY; Epidermolysis bullosa simplex with muscular dystrophy. Identifiers: Orphanet 257, MedGen C2931072, MONDO:0009181, OMIM 226670.
Epidermolysis bullosa simplex, Ogna type (EBS5A). Also called: Pidermolysis bullosa simplex 5A, Ogna type; EPIDERMOLYSIS BULLOSA SIMPLEX 5A, OGNA TYPE. Identifiers: Orphanet 79401, MedGen C0432317, MONDO:0007555, OMIM 131950.
Epidermolysis bullosa simplex 5C, with pyloric atresia (EBS5C). Also called: PLEC1-Related Epidermolysis Bullosa with Pyloric Atresia; PLEC-Related Epidermolysis Bullosa with Pyloric Atresia; Epidermolysis bullosa simplex with pyloric atresia. Identifiers: Orphanet 158684, MedGen C2677349, MONDO:0012807, OMIM 612138.

Allele frequency attached by ClinVar (database versions not stated): gnomAD 0.00001; TOPMed 0.00002.
gnomAD v4.1: 29 of 1,612,766 alleles (0.0018%); highest among the groups gnomAD compares: Middle Eastern, 0.016%; no homozygotes.

Submissions (2):

PreventionGenetics, part of Exact Sciences
Classification: Likely benign for PLEC-related condition. Last evaluated: 2026-05-13. Review status: criteria provided, single submitter. Criteria: ACMG Guidelines, 2015. Collection method: clinical testing. Allele origin: germline.
Comment: This variant is classified as likely benign based on ACMG/AMP sequence variant interpretation guidelines (Richards et al. 2015 PMID: 25741868, with internal and published modifications).

Labcorp Genetics (formerly Invitae), Labcorp
Classification: Likely benign for Autosomal recessive limb-girdle muscular dystrophy type 2Q; Epidermolysis bullosa simplex, Ogna type; Epidermolysis bullosa simplex with nail dystrophy; Epidermolysis bullosa simplex 5C, with pyloric atresia; Epidermolysis bullosa simplex 5B, with muscular dystrophy. Last evaluated: 2026-01-19. Review status: criteria provided, single submitter. Criteria: Invitae Variant Classification Sherloc (09022015). Collection method: clinical testing. Allele origin: germline.